The following is an entry in ClinVar:

NC_000022.10:g.(50668007_50671744)_(50683453_?)dup

Gene: TUBGCP6 (tubulin gamma complex component 6; minus strand). Cytogenetic location: 22q13.33.
Variant type: Duplication.
Identifiers: ClinVar variation 3069134 (VCV003069134.1).

ClinVar aggregate classification (germline): Uncertain significance (1 of 4 stars; one submission).

Submission:

Women's Health and Genetics/Laboratory Corporation of America, LabCorp
Classification: Uncertain significance. Last evaluated: 2024-02-12. Review status: criteria provided, single submitter. Criteria: LabCorp Variant Classification Summary - May 2015. Collection method: clinical testing. Allele origin: germline.
Comment: Variant summary: The variant involves the duplication of exons 1-3 in the TUBGCP6 gene. The exact breakpoint at the 5' end of this variant is unknown, therefore this duplication may extend upstream of the annotated region of this gene. It is predicted to duplicate a segment including the initiation codon, therefore its impact on the encoded protein is unknown. A presumed nomenclature of c.(?_-565)_(1116+1_1117-1)dup has been designated for the purposes of this classification. The variant was absent in 20864 control chromosomes (gnomAD, structural variants dataset). The available data on variant occurrences in the general population are insufficient to allow any conclusion about variant significance. To our knowledge, no occurrence of c.(?_-565)_(1116+1_1117-1)dup in individuals affected with Microcephaly And Chorioretinopathy 1 and no experimental evidence demonstrating its impact on protein function have been reported. No submitters have cited clinical-significance assessments for this variant to ClinVar. Based on the evidence outlined above, the variant was classified as uncertain significance.